The following is an entry in ClinVar:

NM_145068.4(TRPV3):c.*2610C>T

Genes: SPATA22 (spermatogenesis associated 22; minus strand), TRPV3 (transient receptor potential cation channel subfamily V member 3; minus strand). Cytogenetic location: 17p13.2.
Variant type: single nucleotide variant.
Coding change: c.*2610C>T on transcript NM_145068.4 (MANE Select); 2610 bases downstream of the stop codon, C replaced by T.
Molecular consequence: 3 prime UTR variant. On other transcripts: intron variant (2).
Genome position (GRCh38, 1-based): chr17:3,511,307, G>A on the plus strand (C>T on the coding strand, the complement: TRPV3 is on the minus strand). VCF-style: chr17-3511307-G-A. GRCh37 (hg19) VCF-style: chr17-3414601-G-A.
Other names: c.*2610C>T (NM_001258205.2); c.-74+2105C>T (NM_001321336.2, NM_001321337.2).
Identifiers: ClinVar variation 890879 (VCV000890879.6), dbSNP rs142359012, ClinGen allele CA286987303.

ClinVar aggregate classification (germline): Benign (1 of 4 stars; one submission).

Conditions:
Isolated focal non-epidermolytic palmoplantar keratoderma. Also called: Palmoplantar keratoderma, nonepidermolytic, focal 2. Identifiers: Orphanet 448264, MedGen C4225339, MONDO:0014622, OMIM 616400.

Allele frequency attached by ClinVar (database versions not stated): 1000 Genomes Project 0.00439; gnomAD 0.00559 and 0.00606; TOPMed 0.00631; 1000 Genomes Project 30x 0.00515.

Submission:

Illumina Laboratory Services, Illumina
Classification: Benign for Isolated focal non-epidermolytic palmoplantar keratoderma. Last evaluated: 2018-01-13. Review status: criteria provided, single submitter. Criteria: ICSL Variant Classification Criteria 13 December 2019. Collection method: clinical testing. Allele origin: germline.
Comment: This variant was observed in the ICSL laboratory as part of a predisposition screen in an ostensibly healthy population. It had not been previously curated by ICSL or reported in the Human Gene Mutation Database (HGMD: prior to June 1st, 2018), and was therefore a candidate for classification through an automated scoring system. Utilizing variant allele frequency, disease prevalence and penetrance estimates, and inheritance mode, an automated score was calculated to assess if this variant is too frequent to cause the disease. Based on the score and internal cut-off values, a variant classified as benign is not then subjected to further curation. The score for this variant resulted in a classification of benign for this disease.